The following is an entry in ClinVar:

ClinVar aggregate classification (germline): Uncertain significance (1 of 4 stars; one submission).

Allele frequency attached by ClinVar (database versions not stated): gnomAD exomes below 0.00001.
gnomAD v4.1: 2 of 1,613,890 alleles (0.00012%); highest among the groups gnomAD compares: Non-Finnish European, 0.000085%; no homozygotes.

Submission:

Labcorp Genetics (formerly Invitae), Labcorp
Classification: Uncertain significance. Last evaluated: 2022-10-13. Review status: criteria provided, single submitter. Criteria: Invitae Variant Classification Sherloc (09022015). Collection method: clinical testing. Allele origin: germline.
Comment: Algorithms developed to predict the effect of missense changes on protein structure and function are either unavailable or do not agree on the potential impact of this missense change (SIFT: "Not Available"; PolyPhen-2: "Benign"; Align-GVGD: "Not Available"). In summary, the available evidence is currently insufficient to determine the role of this variant in disease. Therefore, it has been classified as a Variant of Uncertain Significance. This sequence change replaces asparagine, which is neutral and polar, with threonine, which is neutral and polar, at codon 181 of the HYOU1 protein (p.Asn181Thr). This variant is present in population databases (no rsID available, gnomAD no frequency). This variant has not been reported in the literature in individuals affected with HYOU1-related conditions.

NM_006389.5(HYOU1):c.542A>C (p.Asn181Thr)

Gene: HYOU1 (hypoxia up-regulated 1; minus strand). Cytogenetic location: 11q23.3.
Variant type: single nucleotide variant.
Coding change: c.542A>C on transcript NM_006389.5 (MANE Select); coding-DNA position 542, A replaced by C.
Protein change: p.Asn181Thr; replaces asparagine 181 with threonine.
Molecular consequence: missense variant.
Genome position (GRCh38, 1-based): chr11:119,054,630, T>G on the plus strand (A>C on the coding strand, the complement: HYOU1 is on the minus strand). VCF-style: chr11-119054630-T-G. GRCh37 (hg19) VCF-style: chr11-118925342-T-G.
Other names: c.542A>C, p.Asn181Thr (NM_001130991.3, NM_001411041.1); short protein forms N181T.
Identifiers: ClinVar variation 1941691 (VCV001941691.5), dbSNP rs183960946, ClinGen allele CA382949159.